The following is an entry in ClinVar:

NM_001042492.3(NF1):c.4490C>A (p.Ser1497Tyr)

Gene: NF1 (neurofibromin 1; plus strand). Cytogenetic location: 17q11.2.
Variant type: single nucleotide variant.
Coding change: c.4490C>A on transcript NM_001042492.3 (MANE Select); coding-DNA position 4490, C replaced by A.
Protein change: p.Ser1497Tyr; replaces serine 1497 with tyrosine.
Molecular consequence: missense variant.
Genome position (GRCh38, 1-based): chr17:31,260,428, C>A. VCF-style: chr17-31260428-C-A. GRCh37 (hg19) VCF-style: chr17-29587446-C-A.
Other names: c.4427C>A, p.Ser1476Tyr (NM_000267.4); short protein forms S1476Y, S1497Y.
Identifiers: ClinVar variation 2430954 (VCV002430954.1), dbSNP rs1597746999, ClinGen allele CA398999442.
Genomic context (GRCh38, chr17:31,260,428, plus strand): 5'-GGTTTTTCCTTGATATAGCATCTGATTGTCCTACAAGTGATGCAGTAAATCATAGTCTTT[C>A]CTTCATAAGTGACGGCAATGTGCTTGCTTTACATCGTCTACTCTGGAACAATCAGGAGAA-3'
Protein context (NP_001035957.1, residues 1487-1507): PTSDAVNHSL[Ser1497Tyr]FISDGNVLAL

ClinVar aggregate classification (germline): Uncertain significance (1 of 4 stars; one submission).

Submission:

GeneDx
Classification: Uncertain significance. Last evaluated: 2022-08-22. Review status: criteria provided, single submitter. Criteria: GeneDx Variant Classification Process June 2021. Collection method: clinical testing. Allele origin: germline. Affected: yes.
Comment: Not observed at significant frequency in large population cohorts (gnomAD); In silico analysis supports that this missense variant has a deleterious effect on protein structure/function; Has not been previously published as pathogenic or benign to our knowledge; This variant is associated with the following publications: (PMID: 22807134)